The following is an entry in ClinVar:

NM_173651.4(FSIP2):c.19935T>C (p.Ala6645=)

Gene: FSIP2 (fibrous sheath interacting protein 2; plus strand). Cytogenetic location: 2q32.1.
Variant type: single nucleotide variant.
Coding change: c.19935T>C on transcript NM_173651.4 (MANE Select); coding-DNA position 19935, T replaced by C.
Protein change: p.Ala6645=; no amino-acid change (alanine 6645 retained).
Molecular consequence: synonymous variant.
Genome position (GRCh38, 1-based): chr2:185,813,652, T>C. VCF-style: chr2-185813652-T-C. GRCh37 (hg19) VCF-style: chr2-186678379-T-C.
Identifiers: ClinVar variation 3051604 (VCV003051604.2), dbSNP rs759902305, ClinGen allele CA2017802.

ClinVar aggregate classification (germline): Likely benign (0 of 4 stars; one submission).

Conditions:
FSIP2-related disorder. Also called: FSIP2-related condition.

Allele frequency attached by ClinVar (database versions not stated): ExAC 0.00003; gnomAD exomes 0.00003; TOPMed 0.00003.
gnomAD v4.1: 56 of 1,604,186 alleles (0.0035%); highest among the groups gnomAD compares: Middle Eastern, 0.45%; 2 homozygotes.

Submission:

PreventionGenetics, part of Exact Sciences
Classification: Likely benign for FSIP2-related condition. Last evaluated: 2019-04-26. Review status: no assertion criteria provided. Collection method: clinical testing. Allele origin: germline.
Comment: This variant is classified as likely benign based on ACMG/AMP sequence variant interpretation guidelines (Richards et al. 2015 PMID: 25741868, with internal and published modifications).